The following is an entry in ClinVar:

NM_004369.4(COL6A3):c.1135C>T (p.Leu379Phe)

Gene: COL6A3 (collagen type VI alpha 3 chain; minus strand). Cytogenetic location: 2q37.3.
Variant type: single nucleotide variant.
Coding change: c.1135C>T on transcript NM_004369.4 (MANE Select); coding-DNA position 1135, C replaced by T.
Protein change: p.Leu379Phe; replaces leucine 379 with phenylalanine.
Molecular consequence: missense variant. On other transcripts: intron variant (2).
Genome position (GRCh38, 1-based): chr2:237,387,759, G>A on the plus strand (C>T on the coding strand, the complement: COL6A3 is on the minus strand). VCF-style: chr2-237387759-G-A. GRCh37 (hg19) VCF-style: chr2-238296402-G-A.
Other names: c.517C>T, p.Leu173Phe (NM_057165.5, NM_057167.4); c.92-6260C>T (NM_057166.5, NM_057164.5); short protein forms L173F, L379F.
Identifiers: ClinVar variation 3634146 (VCV003634146.2).

ClinVar aggregate classification (germline): Uncertain significance (1 of 4 stars; one submission).

Conditions:
Bethlem myopathy 1A. Also called: Bethlem myopathy 1; MYOPATHY, BENIGN CONGENITAL, WITH CONTRACTURES; Bethlem Muscular Dystrophy. Identifiers: Orphanet 610, MedGen CN029274, MONDO:0024530, OMIM 158810.

Submission:

Labcorp Genetics (formerly Invitae), Labcorp
Classification: Uncertain significance for Bethlem myopathy 1A. Last evaluated: 2024-12-12. Review status: criteria provided, single submitter. Criteria: Invitae Variant Classification Sherloc (09022015). Collection method: clinical testing. Allele origin: germline.
Comment: This sequence change replaces leucine, which is neutral and non-polar, with phenylalanine, which is neutral and non-polar, at codon 379 of the COL6A3 protein (p.Leu379Phe). This variant is present in population databases (rs762410148, gnomAD 0.0009%). This variant has not been reported in the literature in individuals affected with COL6A3-related conditions. Invitae Evidence Modeling of protein sequence and biophysical properties (such as structural, functional, and spatial information, amino acid conservation, physicochemical variation, residue mobility, and thermodynamic stability) indicates that this missense variant is not expected to disrupt COL6A3 protein function with a negative predictive value of 95%. In summary, the available evidence is currently insufficient to determine the role of this variant in disease. Therefore, it has been classified as a Variant of Uncertain Significance.